The following is an entry in ClinVar:

NM_001376.5(DYNC1H1):c.12711G>A (p.Lys4237=)

Gene: DYNC1H1 (dynein cytoplasmic 1 heavy chain 1; plus strand). Cytogenetic location: 14q32.31.
Variant type: single nucleotide variant.
Coding change: c.12711G>A on transcript NM_001376.5 (MANE Select); coding-DNA position 12711, G replaced by A.
Protein change: p.Lys4237=; no amino-acid change (lysine 4237 retained).
Molecular consequence: synonymous variant.
Genome position (GRCh38, 1-based): chr14:102,044,300, G>A. VCF-style: chr14-102044300-G-A. GRCh37 (hg19) VCF-style: chr14-102510637-G-A.
Other names: p.Lys4237=.
Identifiers: ClinVar variation 4683934 (VCV004683934.1).

ClinVar aggregate classification (germline): Likely benign (1 of 4 stars; one submission).

gnomAD v4.1: 3 of 1,614,036 alleles (0.00019%); highest among the groups gnomAD compares: Non-Finnish European, 0.00025%; no homozygotes.

Submission:

Mayo Clinic Laboratories, Mayo Clinic
Classification: Likely benign. Last evaluated: 2024-12-24. Review status: criteria provided, single submitter. Criteria: ACMG Guidelines, 2015. Collection method: clinical testing. Allele origin: germline. Observed: 2 variant alleles.
Comment: BP4, BP7